The following is an entry in ClinVar:

NM_004991.4(MECOM):c.3676G>A (p.Ala1226Thr)

Gene: MECOM (MDS1 and EVI1 complex locus; minus strand). Cytogenetic location: 3q26.2.
Variant type: single nucleotide variant.
Coding change: c.3676G>A on transcript NM_004991.4 (MANE Select); coding-DNA position 3676, G replaced by A.
Protein change: p.Ala1226Thr; replaces alanine 1226 with threonine.
Molecular consequence: missense variant.
Genome position (GRCh38, 1-based): chr3:169,084,953, C>T on the plus strand (G>A on the coding strand, the complement: MECOM is on the minus strand). VCF-style: chr3-169084953-C-T. GRCh37 (hg19) VCF-style: chr3-168802741-C-T.
Other names: c.3307G>A, p.Ala1103Thr (NM_001105077.4); c.3112G>A, p.Ala1038Thr (NM_001105078.4, NM_001205194.2, NM_001366469.2 and 1 more transcripts); c.3088G>A, p.Ala1030Thr (NM_001163999.2, NM_001366470.2); c.3085G>A, p.Ala1029Thr (NM_001164000.2, NM_001366471.2, NM_001366472.2); c.3649G>A, p.Ala1217Thr (NM_001366466.2); c.3115G>A, p.Ala1039Thr (NM_001366467.2, NM_001366468.2); c.2677G>A, p.Ala893Thr (NM_001366473.2); c.2113G>A, p.Ala705Thr (NM_001366474.2); short protein forms A1030T, A1103T, A705T, A893T, A1029T, A1226T, A1038T, A1039T.
Identifiers: ClinVar variation 4842777 (VCV004842777.1).

ClinVar aggregate classification (germline): Uncertain significance (1 of 4 stars; one submission).

Conditions:
Inborn genetic diseases. Identifiers: MedGen C0950123, MeSH D030342.

Submission:

Ambry Genetics
Classification: Uncertain significance for Inborn genetic diseases. Last evaluated: 2026-01-14. Review status: criteria provided, single submitter. Criteria: Ambry Variant Classification Scheme 2023. Collection method: clinical testing. Allele origin: germline.
Comment: The p.A1226T variant (also known as c.3676G>A), located in coding exon 17 of the MECOM gene, results from a G to A substitution at nucleotide position 3676. The alanine at codon 1226 is replaced by threonine, an amino acid with similar properties. This amino acid position is conserved. In addition, this alteration is predicted to be tolerated by in silico analysis. Based on the available evidence, the clinical significance of this variant remains unclear.